The following is an entry in ClinVar:

NM_003001.5(SDHC):c.30T>C (p.Gly10=)

Gene: SDHC (succinate dehydrogenase complex subunit C; plus strand). Cytogenetic location: 1q23.3.
Variant type: single nucleotide variant.
Coding change: c.30T>C on transcript NM_003001.5 (MANE Select); coding-DNA position 30, T replaced by C.
Protein change: p.Gly10=; no amino-acid change (glycine 10 retained).
Molecular consequence: synonymous variant. On other transcripts: 5 prime UTR variant (2), non-coding transcript variant (1), intron variant (4).
Genome position (GRCh38, 1-based): chr1:161,323,623, T>C. VCF-style: chr1-161323623-T-C. GRCh37 (hg19) VCF-style: chr1-161293413-T-C.
Other names: c.30T>C, p.Gly10= (NM_001035511.3, NM_001035512.3, NM_001278172.3 and 2 more transcripts); c.-82T>C (NM_001407119.1); c.-200T>C (NM_001407120.1); c.21-4773T>C (NM_001407116.1, NM_001407121.1, NM_001407117.1); c.20+9198T>C (NM_001035513.3).
Identifiers: ClinVar variation 465971 (VCV000465971.13), dbSNP rs1170595036, ClinGen allele CA421407183.

ClinVar aggregate classification (germline): Benign/Likely benign. Review status: criteria provided, multiple submitters, no conflicts (2 of 4 stars). 3 submissions from 3 submitters: Benign (1); Likely benign (2). Last evaluated 2026-01-02.

Conditions:
Pheochromocytoma/paraganglioma syndrome 3. Also called: SDHC-Related Hereditary Paraganglioma-Pheochromocytoma Syndrome (Paragangliomas 3); GLOMUS TUMORS, FAMILIAL, 3; SDHC-Related Hereditary Paraganglioma-Pheochromocytoma Syndrome; Paragangliomas 3. Identifiers: Orphanet 29072, MedGen C1854336, MONDO:0011544, OMIM 605373.
Hereditary cancer-predisposing syndrome. Also called: Tumor predisposition; Hereditary neoplastic syndrome; Neoplastic Syndromes, Hereditary; Hereditary Cancer Syndrome. Identifiers: Orphanet 140162, MedGen C0027672, MeSH D009386, MONDO:0015356.
Gastrointestinal stromal tumor. Also called: Gastrointestinal stroma tumor; Gastrointestinal stromal tumor, somatic. Identifiers: Orphanet 44890, MedGen C0238198, MeSH D046152, MONDO:0011719, OMIM 606764, HP:0100723.

Allele frequency attached by ClinVar (database versions not stated): gnomAD exomes below 0.00001; TOPMed 0.00001.
gnomAD v4.1: 1 of 1,613,692 alleles (0.000062%); highest among the groups gnomAD compares: Admixed American, 0.0017%; no homozygotes.

Submissions (3):

Labcorp Genetics (formerly Invitae), Labcorp
Classification: Likely benign for Pheochromocytoma/paraganglioma syndrome 3; Gastrointestinal stromal tumor. Last evaluated: 2026-01-02. Review status: criteria provided, single submitter. Criteria: Invitae Variant Classification Sherloc (09022015). Collection method: clinical testing. Allele origin: germline.

Myriad Genetics, Inc.
Classification: Benign for Pheochromocytoma/paraganglioma syndrome 3. Last evaluated: 2025-03-14. Review status: criteria provided, single submitter. Criteria: Myriad Autosomal Dominant, Autosomal Recessive and X-Linked Classification Criteria (2023). Collection method: clinical testing. Allele origin: unknown.
Comment: This variant is considered benign. This variant is a silent/synonymous amino acid change and it is not expected to impact splicing.

Ambry Genetics
Classification: Likely benign for Hereditary cancer-predisposing syndrome. Last evaluated: 2022-12-16. Review status: criteria provided, single submitter. Criteria: Ambry Variant Classification Scheme 2023. Collection method: clinical testing. Allele origin: germline.